The following is an entry in ClinVar:

NM_001999.4(FBN2):c.6269C>T (p.Ser2090Phe)

Gene: FBN2 (fibrillin 2; minus strand). Cytogenetic location: 5q23.3.
Variant type: single nucleotide variant.
Coding change: c.6269C>T on transcript NM_001999.4 (MANE Select); coding-DNA position 6269, C replaced by T.
Protein change: p.Ser2090Phe; replaces serine 2090 with phenylalanine.
Molecular consequence: missense variant.
Genome position (GRCh38, 1-based): chr5:128,291,552, G>A on the plus strand (C>T on the coding strand, the complement: FBN2 is on the minus strand). VCF-style: chr5-128291552-G-A. GRCh37 (hg19) VCF-style: chr5-127627244-G-A.
Other names: short protein forms S2090F.
Identifiers: ClinVar variation 239089 (VCV000239089.9), dbSNP rs878854478, ClinGen allele CA10582356.
Genomic context (GRCh38, chr5:128,291,552, plus strand): 5'-GCGTGAACTGTGACAGTGAAGTCATGCCAAATCTTACCAAAGCATCTCCGTCCATTATCA[G>A]ATAGTACAAAGCCAGGGGGGCAGAGGCACTGGAAGCCCCCTGGAGTATTAGTACAGGAAC-3'
Protein context (NP_001990.2, residues 2080-2100): QCLCPPGFVL[Ser2090Phe]DNGRRCFDTR

ClinVar aggregate classification (germline): Uncertain significance (1 of 4 stars; one submission).

Conditions:
Congenital contractural arachnodactyly (CCA). Also called: Beals-Hecht syndrome; BEALS SYNDROME; Arthrogryposis, distal, type 9. Identifiers: Orphanet 115, MedGen C0220668, MONDO:0007363, OMIM 121050.

Allele frequency attached by ClinVar (database versions not stated): TOPMed below 0.00001.

Submission:

Labcorp Genetics (formerly Invitae), Labcorp
Classification: Uncertain significance for Congenital contractural arachnodactyly. Last evaluated: 2016-02-01. Review status: criteria provided, single submitter. Criteria: Invitae Variant Classification Sherloc (09022015). Collection method: clinical testing. Allele origin: germline.
Comment: This sequence change replaces serine with phenylalanine at codon 2090 of the FBN2 protein (p.Ser2090Phe). The serine residue is highly conserved and there is a large physicochemical difference between serine and phenylalanine. This variant is not present in population databases (ExAC no frequency) and has not been reported in the literature in individuals with a FBN2-related disease. Algorithms developed to predict the effect of missense changes on protein structure and function (SIFT, PolyPhen-2, Align-GVGD) all suggest that this variant is likely to be disruptive, but these predictions have not been confirmed by published functional studies. In summary, this is a novel missense change with uncertain impact on protein function. It has been classified as a Variant of Uncertain Significance.